The following is an entry in ClinVar:

ClinVar aggregate classification (germline): Uncertain significance (1 of 4 stars; one submission).

Conditions:
Congenital myasthenic syndrome 8. Also called: MYASTHENIC SYNDROME, CONGENITAL, DUE TO AGRIN DEFICIENCY; Myasthenic syndrome, congenital, 8, with pre- and postsynaptic defects. Identifiers: Orphanet 590, MedGen C3808739, MONDO:0014052, OMIM 615120.

Submission:

Labcorp Genetics (formerly Invitae), Labcorp
Classification: Uncertain significance for Congenital myasthenic syndrome 8. Last evaluated: 2022-08-22. Review status: criteria provided, single submitter. Criteria: Invitae Variant Classification Sherloc (09022015). Collection method: clinical testing. Allele origin: germline.
Comment: This variant is not present in population databases (gnomAD no frequency). This sequence change replaces threonine, which is neutral and polar, with serine, which is neutral and polar, at codon 1873 of the AGRN protein (p.Thr1873Ser). This variant has not been reported in the literature in individuals affected with AGRN-related conditions. Algorithms developed to predict the effect of missense changes on protein structure and function are either unavailable or do not agree on the potential impact of this missense change (SIFT: "Deleterious"; PolyPhen-2: "Possibly Damaging"; Align-GVGD: "Class C0"). In summary, the available evidence is currently insufficient to determine the role of this variant in disease. Therefore, it has been classified as a Variant of Uncertain Significance.

NM_198576.4(AGRN):c.5618C>G (p.Thr1873Ser)

Gene: AGRN (agrin; plus strand). Cytogenetic location: 1p36.33.
Variant type: single nucleotide variant.
Coding change: c.5618C>G on transcript NM_198576.4 (MANE Select); coding-DNA position 5618, C replaced by G.
Protein change: p.Thr1873Ser; replaces threonine 1873 with serine.
Molecular consequence: missense variant.
Genome position (GRCh38, 1-based): chr1:1,051,782, C>G. VCF-style: chr1-1051782-C-G. GRCh37 (hg19) VCF-style: chr1-987162-C-G.
Other names: c.5630C>G, p.Thr1877Ser (NM_001305275.2); c.5315C>G, p.Thr1772Ser (NM_001364727.2); short protein forms T1772S, T1873S, T1877S.
Identifiers: ClinVar variation 2072251 (VCV002072251.4), dbSNP rs1557722849, ClinGen allele CA337782666.
Genomic context (GRCh38, chr1:1,051,782, plus strand): 5'-TCACAGGGCTGGTGGAGAAGTCAGCGGGGGACGTGGATACCTTGGCCTTTGACGGGCGGA[C>G]CTTTGTCGAGTACCTCAACGCTGTGACCGAGAGGTAACGTGCCATCCTCTGCTGGCTGTC-3'
Protein context (NP_940978.2, residues 1863-1883): DVDTLAFDGR[Thr1873Ser]FVEYLNAVTE